The following is an entry in ClinVar:

NC_000009.11:g.(215030_271626)_(340322_368017)dup

Genes: DOCK8 (dedicator of cytokinesis 8; plus strand), DOCK8-AS1 (DOCK8 antisense RNA 1; minus strand). Cytogenetic location: 9p24.3.
Variant type: Duplication.
Identifiers: ClinVar variation 1704631 (VCV001704631.1).

ClinVar aggregate classification (germline): Uncertain significance (1 of 4 stars; one submission).

Submission:

Women's Health and Genetics/Laboratory Corporation of America, LabCorp
Classification: Uncertain significance. Last evaluated: 2022-07-22. Review status: criteria provided, single submitter. Criteria: LabCorp Variant Classification Summary - May 2015. Collection method: clinical testing. Allele origin: germline.
Comment: Variant summary: The variant identified by MLPA or other technology involves the duplication of exons 2-14 in the DOCK8 gene. A presumed nomenclature of c.(53+1_54-1)_(1679+1_1680-1)dup has been designated for the purposes of this classification. It has been assumed that this is a tandem duplication in direct orientation (Richardson_GIM_2018, Newman_AJHG_2015). Although exact breakpoints of this duplication are not known, it is expected to result in a large in-frame duplication change in the DOCK8 gene. The variant was absent in 21694 control chromosomes (gnomAD, Structural Variants dataset). The available data on variant occurrences in the general population are insufficient to allow any conclusion about variant significance. To our knowledge, no occurrence of c.(53+1_54-1)_(1679+1_1680-1)dup in individuals affected with Severe Combined Immunodeficiency and no experimental evidence demonstrating its impact on protein function have been reported. Two ClinVar submitters (evaluation after 2014) cite the variant as uncertain significance. Based on the evidence outlined above, the variant was classified as uncertain significance.